The following is an entry in ClinVar:

NM_001453.3(FOXC1):c.317A>C (p.Gln106Pro)

Genes: FOXC1 (forkhead box C1; plus strand), LOC129995601 (ATAC-STARR-seq lymphoblastoid active region 23864; plus strand). Cytogenetic location: 6p25.3.
Variant type: single nucleotide variant.
Coding change: c.317A>C on transcript NM_001453.3 (MANE Select); coding-DNA position 317, A replaced by C.
Protein change: p.Gln106Pro; replaces glutamine 106 with proline.
Molecular consequence: missense variant.
Genome position (GRCh38, 1-based): chr6:1,610,762, A>C. VCF-style: chr6-1610762-A-C. GRCh37 (hg19) VCF-style: chr6-1610997-A-C.
Other names: short protein forms Q106P.
Identifiers: ClinVar variation 3724530 (VCV003724530.3).

ClinVar aggregate classification (germline): Uncertain significance. Review status: criteria provided, multiple submitters, no conflicts (2 of 4 stars). 2 submissions from 2 submitters: Uncertain significance (2). Last evaluated 2024-11-03.

Conditions:
Axenfeld-Rieger syndrome type 3 (RIEG3). Also called: AXENFELD-RIEGER ANOMALY WITH CARDIAC DEFECTS AND/OR SENSORINEURAL HEARING LOSS. Identifiers: Orphanet 782, MedGen C2678503, MONDO:0011233, OMIM 602482.

Submissions (2):

Labcorp Genetics (formerly Invitae), Labcorp
Classification: Uncertain significance for Axenfeld-Rieger syndrome type 3. Last evaluated: 2024-11-03. Review status: criteria provided, single submitter. Criteria: Invitae Variant Classification Sherloc (09022015). Collection method: clinical testing. Allele origin: germline.
Comment: This sequence change replaces glutamine, which is neutral and polar, with proline, which is neutral and non-polar, at codon 106 of the FOXC1 protein (p.Gln106Pro). This variant is not present in population databases (gnomAD no frequency). This variant has not been reported in the literature in individuals affected with FOXC1-related conditions. An algorithm developed to predict the effect of missense changes on protein structure and function (PolyPhen-2) suggests that this variant is likely to be disruptive. In summary, the available evidence is currently insufficient to determine the role of this variant in disease. Therefore, it has been classified as a Variant of Uncertain Significance.

Blueprint Genetics
Classification: Uncertain significance. Last evaluated: 2019-09-04. Review status: criteria provided, single submitter. Criteria: ACMG Guidelines, 2015. Collection method: clinical testing. Allele origin: germline.